The following is an entry in ClinVar:

NC_000010.10:g.(88659884_88671996)_(88679227_88681276)del

Gene: BMPR1A (bone morphogenetic protein receptor type 1A; plus strand). Cytogenetic location: 10q23.2.
Variant type: Deletion.
Identifiers: ClinVar variation 1329015 (VCV001329015.1).

ClinVar aggregate classification (germline): Likely pathogenic (1 of 4 stars; one submission).

Conditions:
Juvenile polyposis syndrome (JPS). Identifiers: Orphanet 2929, MedGen C0345893, MONDO:0017380, OMIM 174900.

Submission:

Women's Health and Genetics/Laboratory Corporation of America, LabCorp
Classification: Likely pathogenic for Juvenile polyposis syndrome. Last evaluated: 2021-11-11. Review status: criteria provided, single submitter. Criteria: LabCorp Variant Classification Summary - May 2015. Collection method: clinical testing. Allele origin: germline.
Comment: Variant summary: The variant identified by MLPA or other technology involves the deletion of exons 8-10 in the BMPR1A gene. A presumed nomenclature of c.(530+1_531-1)_(1166+1_1167-1)del has been designated for the purposes of this classification. Although exact breakpoints of this deletion are not known, it is expected to result in a large in-frame deletion in the BMPR1A gene (predicts as p.Lys177_Ser389delinsAsn), a known mechanism of disease. The variant was absent in 21694 control chromosomes (gnomAD SVs). To our knowledge, no occurrence of c.(530+1_531-1)_(1166+1_1167-1)del in individuals affected with Juvenile Polyposis Syndrome and no experimental evidence demonstrating its impact on protein function have been reported. No clinical diagnostic laboratories have submitted clinical-significance assessments for this variant to ClinVar after 2014. Based on the evidence outlined above, the variant was classified as likely pathogenic.